The following is an entry in ClinVar:

ClinVar aggregate classification (germline): Uncertain significance. Review status: criteria provided, multiple submitters, no conflicts (2 of 4 stars). 2 submissions from 2 submitters: Uncertain significance (2). Last evaluated 2025-05-23.

Conditions:
Inborn genetic diseases. Identifiers: MedGen C0950123, MeSH D030342.

Allele frequency attached by ClinVar (database versions not stated): gnomAD exomes below 0.00001; ExAC 0.00001.

Submissions (2):

Ambry Genetics
Classification: Uncertain significance for Inborn genetic diseases. Last evaluated: 2025-05-23. Review status: criteria provided, single submitter. Criteria: Ambry Variant Classification Scheme 2023. Collection method: clinical testing. Allele origin: germline.

Labcorp Genetics (formerly Invitae), Labcorp
Classification: Uncertain significance. Last evaluated: 2022-10-28. Review status: criteria provided, single submitter. Criteria: Invitae Variant Classification Sherloc (09022015). Collection method: clinical testing. Allele origin: germline.
Comment: In summary, the available evidence is currently insufficient to determine the role of this variant in disease. Therefore, it has been classified as a Variant of Uncertain Significance. Algorithms developed to predict the effect of missense changes on protein structure and function output the following: SIFT: "Tolerated"; PolyPhen-2: "Benign"; Align-GVGD: "Class C0". The valine amino acid residue is found in multiple mammalian species, which suggests that this missense change does not adversely affect protein function. ClinVar contains an entry for this variant (Variation ID: 1038570). This variant has not been reported in the literature in individuals affected with RP1-related conditions. This variant is present in population databases (rs778788543, gnomAD 0.0009%). This sequence change replaces methionine, which is neutral and non-polar, with valine, which is neutral and non-polar, at codon 149 of the RP1 protein (p.Met149Val).

NM_006269.2(RP1):c.445A>G (p.Met149Val)

Gene: RP1 (RP1 axonemal microtubule associated; plus strand). Cytogenetic location: 8q12.1.
Variant type: single nucleotide variant.
Coding change: c.445A>G on transcript NM_006269.2 (MANE Select); coding-DNA position 445, A replaced by G.
Protein change: p.Met149Val; replaces methionine 149 with valine.
Molecular consequence: missense variant.
Genome position (GRCh38, 1-based): chr8:54,621,411, A>G. VCF-style: chr8-54621411-A-G. GRCh37 (hg19) VCF-style: chr8-55533971-A-G.
Other names: c.445A>G (NM_006269.1); c.445A>G, p.Met149Val (NM_001375654.1); short protein forms M149V.
Identifiers: ClinVar variation 1038570 (VCV001038570.9), dbSNP rs778788543, ClinGen allele CA4751165.